The following is an entry in ClinVar:

ClinVar aggregate classification (germline): Conflicting classifications of pathogenicity. Review status: criteria provided, conflicting classifications (1 of 4 stars). 7 submissions from 7 submitters: Uncertain significance (2); Likely benign (2). 3 of the submissions do not count toward it. Last evaluated 2026-01-29.

Conditions:
TGM1-related disorder. Also called: TGM1-related condition.
Inborn genetic diseases. Identifiers: MedGen C0950123, MeSH D030342.
Autosomal recessive congenital ichthyosis 1 (LI1). Also called: COLLODION FETUS; DESQUAMATION OF NEWBORN; ICHTHYOSIS CONGENITA; ICHTHYOSIS CONGENITA II; LAMELLAR EXFOLIATION OF NEWBORN; ICHTHYOSIS, CONGENITAL, AUTOSOMAL RECESSIVE 1, WITH BATHING SUIT DISTRIBUTION. Identifiers: MedGen C4551630, MONDO:0009441, OMIM 242300.

Allele frequency attached by ClinVar (database versions not stated): 1000 Genomes Project 0.00040; 1000 Genomes Project 30x 0.00047; ExAC 0.00131; gnomAD exomes 0.00133 and 0.00200; gnomAD 0.00149; TOPMed 0.00156; ESP Exome Variant Server 0.00238.
gnomAD v4.1: 3,117 of 1,613,678 alleles (0.19%); highest among the groups gnomAD compares: Non-Finnish European, 0.24%; 7 homozygotes.

Submissions (7):

Labcorp Genetics (formerly Invitae), Labcorp
Classification: Likely benign. Last evaluated: 2026-01-29. Review status: criteria provided, single submitter. Criteria: Invitae Variant Classification Sherloc (09022015). Collection method: clinical testing. Allele origin: germline.

Blueprint Genetics
Classification: Likely benign. Last evaluated: 2024-11-25. Review status: criteria provided, single submitter. Criteria: ACMG Guidelines, 2015. Collection method: clinical testing. Allele origin: germline.

Ambry Genetics
Classification: Uncertain significance for Inborn genetic diseases. Last evaluated: 2021-07-09. Review status: criteria provided, single submitter. Criteria: Ambry Variant Classification Scheme 2023. Collection method: clinical testing. Allele origin: germline.

Illumina Laboratory Services, Illumina
Classification: Uncertain significance for Autosomal recessive congenital ichthyosis 1. Last evaluated: 2018-01-13. Review status: criteria provided, single submitter. Criteria: ICSL Variant Classification Criteria 13 December 2019. Collection method: clinical testing. Allele origin: germline.

PreventionGenetics, part of Exact Sciences
Classification: Likely benign for TGM1-related condition. Last evaluated: 2022-06-07. Review status: no assertion criteria provided. Collection method: clinical testing. Allele origin: germline. Not counted in ClinVar's aggregate classification.
Comment: This variant is classified as likely benign based on ACMG/AMP sequence variant interpretation guidelines (Richards et al. 2015 PMID: 25741868, with internal and published modifications).

Natera, Inc.
Classification: Likely benign for Autosomal recessive congenital ichthyosis type 1. Last evaluated: 2019-11-22. Review status: no assertion criteria provided. Collection method: clinical testing. Allele origin: germline. Not counted in ClinVar's aggregate classification.

Department of Pathology and Laboratory Medicine, Sinai Health System
Classification: Uncertain significance. Review status: no assertion criteria provided. Collection method: clinical testing. Allele origin: unknown. Affected: yes. Study: The Canadian Open Genetics Repository (COGR). Not counted in ClinVar's aggregate classification.
Comment: The TGM1 p.Thr21Ala variant was not identified in the literature nor was it identified in ClinVar or LOVD 3.0. The variant was identified in dbSNP (ID: rs140542428) and in control databases in 385 of 281634 chromosomes (0 homozygous) at a frequency of 0.001367 increasing the likelihood this could be a low frequency benign variant (Genome Aggregation Database March 6, 2019, v2.1.1). The variant was observed in the following populations: European (non-Finnish) in 295 of 128088 chromosomes (freq: 0.002303), Ashkenazi Jewish in 11 of 10340 chromosomes (freq: 0.001064), Latino in 37 of 35422 chromosomes (freq: 0.001045), Other in 5 of 7214 chromosomes (freq: 0.000693), African in 14 of 24914 chromosomes (freq: 0.000562), European (Finnish) in 12 of 25108 chromosomes (freq: 0.000478), South Asian in 10 of 30616 chromosomes (freq: 0.000327), and East Asian in 1 of 19932 chromosomes (freq: 0.00005). The p.Thr21 residue is not conserved in mammals and computational analyses (PolyPhen-2, SIFT, AlignGVGD, BLOSUM, MutationTaster) do not suggest a high likelihood of impact to the protein; however, this information is not predictive enough to rule out pathogenicity. The variant occurs outside of the splicing consensus sequence and in silico or computational prediction software programs (SpliceSiteFinder, MaxEntScan, NNSPLICE, GeneSplicer) do not predict a difference in splicing. In summary, based on the above information the clinical significance of this variant cannot be determined with certainty at this time. This variant is classified as a variant of uncertain significance.

NM_000359.3(TGM1):c.61A>G (p.Thr21Ala)

Gene: TGM1 (transglutaminase 1; minus strand). Cytogenetic location: 14q12.
Variant type: single nucleotide variant.
Coding change: c.61A>G on transcript NM_000359.3 (MANE Select); coding-DNA position 61, A replaced by G.
Protein change: p.Thr21Ala; replaces threonine 21 with alanine.
Molecular consequence: missense variant.
Genome position (GRCh38, 1-based): chr14:24,262,292, T>C on the plus strand (A>G on the coding strand, the complement: TGM1 is on the minus strand). VCF-style: chr14-24262292-T-C. GRCh37 (hg19) VCF-style: chr14-24731498-T-C.
Other names: short protein forms T21A.
Identifiers: ClinVar variation 720195 (VCV000720195.21), dbSNP rs140542428, ClinGen allele CA7131557.